The following is an entry in ClinVar:

NM_021942.6(TRAPPC11):c.2320G>A (p.Val774Met)

Genes: TRAPPC11 (trafficking protein particle complex subunit 11; plus strand), LOC126807238 (BRD4-independent group 4 enhancer GRCh37_chr4:184614366-184615565; plus strand). Cytogenetic location: 4q35.1.
Variant type: single nucleotide variant.
Coding change: c.2320G>A on transcript NM_021942.6 (MANE Select); coding-DNA position 2320, G replaced by A.
Protein change: p.Val774Met; replaces valine 774 with methionine.
Molecular consequence: missense variant.
Genome position (GRCh38, 1-based): chr4:183,693,671, G>A. VCF-style: chr4-183693671-G-A. GRCh37 (hg19) VCF-style: chr4-184614824-G-A.
Other names: c.2320G>A, p.Val774Met (NM_199053.3); short protein forms V774M.
Identifiers: ClinVar variation 2156504 (VCV002156504.2), dbSNP rs146718854, ClinGen allele CA111858447.

ClinVar aggregate classification (germline): Uncertain significance. Review status: criteria provided, multiple submitters, no conflicts (2 of 4 stars). 2 submissions from 2 submitters: Uncertain significance (2). Last evaluated 2023-10-17.

Conditions:
Autosomal recessive limb-girdle muscular dystrophy type R18 (LGMDR18). Also called: Limb-girdle muscular dystrophy, type 2S; Autosomal recessive limb-girdle muscular dystrophy type 2S; MUSCULAR DYSTROPHY, LIMB-GIRDLE, AUTOSOMAL RECESSIVE 18. Identifiers: Orphanet 369840, MedGen C4517996, MONDO:0014144, OMIM 615356.

Allele frequency attached by ClinVar (database versions not stated): gnomAD exomes below 0.00001; ESP Exome Variant Server 0.00008; gnomAD 0.00003; TOPMed 0.00003.
gnomAD v4.1: 7 of 1,613,938 alleles (0.00043%); highest among the groups gnomAD compares: Non-Finnish European, 0.00059%; no homozygotes.

Submissions (2):

Revvity Omics, Revvity
Classification: Uncertain significance for Autosomal recessive limb-girdle muscular dystrophy type R18. Last evaluated: 2023-10-17. Review status: criteria provided, single submitter. Criteria: ACMG Guidelines, 2015. Collection method: clinical testing. Allele origin: germline.

Labcorp Genetics (formerly Invitae), Labcorp
Classification: Uncertain significance for Autosomal recessive limb-girdle muscular dystrophy type R18. Last evaluated: 2022-04-06. Review status: criteria provided, single submitter. Criteria: Invitae Variant Classification Sherloc (09022015). Collection method: clinical testing. Allele origin: germline.
Comment: This sequence change replaces valine, which is neutral and non-polar, with methionine, which is neutral and non-polar, at codon 774 of the TRAPPC11 protein (p.Val774Met). This variant is not present in population databases (gnomAD no frequency). This variant has not been reported in the literature in individuals affected with TRAPPC11-related conditions. Algorithms developed to predict the effect of missense changes on protein structure and function are either unavailable or do not agree on the potential impact of this missense change (SIFT: "Deleterious"; PolyPhen-2: "Possibly Damaging"; Align-GVGD: "Class C0"). In summary, the available evidence is currently insufficient to determine the role of this variant in disease. Therefore, it has been classified as a Variant of Uncertain Significance.